The following is an entry in ClinVar:

ClinVar aggregate classification (germline): Pathogenic. Review status: reviewed by expert panel (3 of 4 stars). 4 submissions from 4 submitters: Pathogenic (1). 3 of the submissions do not count toward it. Last evaluated 2016-10-18.

Conditions:
Hereditary breast ovarian cancer syndrome. Also called: Hereditary breast and ovarian cancer syndrome (HBOC); Breast and ovarian cancer; Hereditary breast and ovarian cancer syndrome; Hereditary breast and ovarian cancer; BRCA1- and BRCA2-Associated Hereditary Breast and Ovarian Cancer; Hereditary breast and/or ovarian cancer syndrome. Identifiers: Orphanet 145, MedGen C0677776, MeSH D061325, MONDO:0003582. Disease mechanism: loss of function.
Breast-ovarian cancer, familial, susceptibility to, 1 (BROVCA1). Also called: BRCA1 Hereditary Breast and Ovarian Cancer; OVARIAN CANCER, SUSCEPTIBILITY TO. Identifiers: Orphanet 145, MedGen C2676676, MONDO:0011450, OMIM 604370. Disease mechanism: loss of function.
Hereditary cancer-predisposing syndrome. Also called: Hereditary Cancer Syndrome; Neoplastic Syndromes, Hereditary; Hereditary neoplastic syndrome; Tumor predisposition. Identifiers: Orphanet 140162, MedGen C0027672, MeSH D009386, MONDO:0015356.

Submissions (4):

Evidence-based Network for the Interpretation of Germline Mutant Alleles (ENIGMA)
Classification: Pathogenic for Breast-ovarian cancer, familial, susceptibility to, 1. Last evaluated: 2016-10-18. Review status: reviewed by expert panel. Criteria: ENIGMA BRCA1/2 Classification Criteria (2015). Collection method: curation. Allele origin: germline.
Comment: Variant allele predicted to encode a truncated non-functional protein.

Ambry Genetics
Classification: Pathogenic for Hereditary cancer-predisposing syndrome. Last evaluated: 2026-01-09. Review status: criteria provided, single submitter. Criteria: Ambry Variant Classification Scheme 2023. Collection method: clinical testing. Allele origin: germline. Not counted in ClinVar's aggregate classification.
Comment: The c.3582_3589delCCATACAC alteration, located in exon 10 (coding exon 9) of the BRCA1 gene, consists of a deletion of 8 nucleotides from position 3582 to 3589, causing a translational frameshift with a predicted alternate stop codon after 21 amino acids. This alteration is expected to result in loss of function by premature protein truncation or nonsense-mediated mRNA decay. This variant was not reported in population-based cohorts in the Genome Aggregation Database (gnomAD). Based on the available evidence, this alteration is classified as pathogenic.

Labcorp Genetics (formerly Invitae), Labcorp
Classification: Pathogenic for Hereditary breast ovarian cancer syndrome. Last evaluated: 2023-12-29. Review status: criteria provided, single submitter. Criteria: Invitae Variant Classification Sherloc (09022015). Collection method: clinical testing. Allele origin: germline. Not counted in ClinVar's aggregate classification.
Comment: This sequence change creates a premature translational stop signal (p.His1195Phefs*21) in the BRCA1 gene. It is expected to result in an absent or disrupted protein product. Loss-of-function variants in BRCA1 are known to be pathogenic (PMID: 20104584). This variant is not present in population databases (gnomAD no frequency). This premature translational stop signal has been observed in individual(s) with breast and ovarian cancer (PMID: 25186627, 28888541). ClinVar contains an entry for this variant (Variation ID: 266387). For these reasons, this variant has been classified as Pathogenic.

Consortium of Investigators of Modifiers of BRCA1/2 (CIMBA), c/o University of Cambridge
Classification: Pathogenic for Breast-ovarian cancer, familial, susceptibility to, 1. Last evaluated: 2015-10-02. Review status: criteria provided, single submitter. Criteria: CIMBA Mutation Classification guidelines May 2016. Collection method: clinical testing. Allele origin: germline. Not counted in ClinVar's aggregate classification.

Literature cited by the submitters: PubMed 20104584 (cited by Labcorp Genetics (formerly Invitae), Labcorp); PubMed 25186627 (cited by Labcorp Genetics (formerly Invitae), Labcorp); PubMed 28888541 (cited by Labcorp Genetics (formerly Invitae), Labcorp).

NM_007294.4(BRCA1):c.3582_3589del (p.His1195fs)

Genes: BRCA1 (BRCA1 DNA repair associated; minus strand), LOC126862571 (BRD4-independent group 4 enhancer GRCh37_chr17:41243136-41244335; plus strand). Cytogenetic location: 17q21.31.
Variant type: Deletion.
Coding change: c.3582_3589del on transcript NM_007294.4 (MANE Select); coding-DNA positions 3582 to 3589, 8 bases deleted (CCATACAC; older notation c.3582_3589delCCATACAC).
Protein change: p.His1195fs; shifts the reading frame from histidine 1195.
Molecular consequence: frameshift variant. On other transcripts: intron variant (135).
Genome position (GRCh38, 1-based): chr17:43,091,942-43,091,949, GTGTATGG deleted on the plus strand (CCATACAC on the coding strand, the reverse complement: BRCA1 is on the minus strand); deleting any 8 consecutive bases within chr17:43,091,942-43,091,952 gives the same sequence; the c. name uses the placement nearest the transcript's 3' end. VCF-style (leftmost placement, unchanged base first): chr17-43091941-TGTGTATGG-T. GRCh37 (hg19) VCF-style: chr17-41243958-TGTGTATGG-T.
Other names: 3701del8; c.3582_3589delCCATACAC (NM_007294.3); c.3369_3376del, p.His1124fs (NM_001407571.1, NM_001407853.1, NM_001407894.1 and 9 more transcripts); c.3582_3589del, p.His1195fs (NM_001407581.1, NM_001407582.1, NM_001407583.1 and 30 more transcripts); c.3579_3586del, p.His1194fs (NM_001407587.1, NM_001407590.1, NM_001407591.1 and 22 more transcripts); c.3504_3511del, p.His1169fs (NM_001407653.1, NM_001407654.1, NM_001407655.1 and 4 more transcripts); c.3501_3508del, p.His1168fs (NM_001407659.1, NM_001407660.1, NM_001407661.1 and 1 more transcripts); c.3459_3466del, p.His1154fs (NM_001407669.1, NM_001407674.1, NM_001407675.1 and 19 more transcripts); and 43 more; short protein forms H1148fs, H1195fs, H1027fs, H1067fs, H1083fs, H1106fs, H1127fs, H1154fs.
Identifiers: ClinVar variation 266387 (VCV000266387.15), dbSNP rs886040146, ClinGen allele CA10589737.